The following is an entry in ClinVar:

NM_004006.3(DMD):c.8675del (p.Pro2892fs)

Gene: DMD (dystrophin; minus strand). Cytogenetic location: Xp21.2.
Variant type: Deletion.
Coding change: c.8675del on transcript NM_004006.3 (MANE Select); coding-DNA position 8675, one base deleted (C; older notation c.8675delC).
Protein change: p.Pro2892fs; shifts the reading frame from proline 2892.
Molecular consequence: frameshift variant.
Genome position (GRCh38, 1-based): chrX:31,478,368, G deleted on the plus strand (C on the coding strand, the reverse complement: DMD is on the minus strand); the first of 2 consecutive G bases (chrX:31,478,368-31,478,369); deleting either gives the same sequence. VCF-style (leftmost placement, unchanged base first): chrX-31478367-AG-A. GRCh37 (hg19) VCF-style: chrX-31496484-AG-A.
Other names: c.8651del, p.Pro2884fs (NM_000109.4); c.8663del, p.Pro2888fs (NM_004009.3); c.8306del, p.Pro2769fs (NM_004010.3); c.4652del, p.Pro1551fs (NM_004011.4); c.4643del, p.Pro1548fs (NM_004012.4); c.1295del, p.Pro432fs (NM_004013.3, NM_004020.4, NM_004021.3 and 2 more transcripts); c.488del, p.Pro163fs (NM_004014.3); c.8675delC (NM_004006.2); short protein forms P1551fs, P2884fs, P2888fs, P1548fs, P2769fs, P432fs, P163fs, P2892fs.
Identifiers: ClinVar variation 455939 (VCV000455939.7), dbSNP rs1556656487, ClinGen allele CA658658950.
Genomic context (GRCh38, chrX:31,478,367, plus strand): 5'-ATTGACCTCCTCAGCCTGCTTTCGTAGAAGCCGAGTGACATTCTGGGCTCTCTCCTCAGG[AG>A]GCAGCTCTAAATTGGCAATATGACAAGGTTTTAGGCCACATTCTTTTTTTTTAAACATTG-3'

ClinVar aggregate classification (germline): Pathogenic (1 of 4 stars; one submission).

Conditions:
Duchenne muscular dystrophy (DMD). Also called: MUSCULAR DYSTROPHY, PSEUDOHYPERTROPHIC PROGRESSIVE, DUCHENNE TYPE; Duchenne Muscular Dystrophy (DMD). Identifiers: Orphanet 98896, MedGen C0013264, MONDO:0010679, OMIM 310200.

Submission:

Labcorp Genetics (formerly Invitae), Labcorp
Classification: Pathogenic for Duchenne muscular dystrophy. Last evaluated: 2017-05-30. Review status: criteria provided, single submitter. Criteria: Invitae Variant Classification Sherloc (09022015). Collection method: clinical testing. Allele origin: germline.
Comment: Loss-of-function variants in DMD are known to be pathogenic (PMID: 16770791). For these reasons, this variant has been classified as Pathogenic. This variant has not been reported in the literature in individuals with a DMD-related disease. This variant is not present in population databases (ExAC no frequency). This sequence change creates a premature translational stop signal (p.Pro2892Leufs*27) in the DMD gene. It is expected to result in an absent or disrupted protein product.

Literature cited by the submitters: PubMed 16770791.